The following is an entry in ClinVar:

ClinVar aggregate classification (germline): Uncertain significance (1 of 4 stars; one submission).

Conditions:
Charcot-Marie-Tooth disease type 2. Also called: Charcot-Marie-Tooth type 2. Identifiers: Orphanet 64746, MedGen C0270914, MONDO:0018993.

Allele frequency attached by ClinVar (database versions not stated): gnomAD exomes below 0.00001.

Submission:

Labcorp Genetics (formerly Invitae), Labcorp
Classification: Uncertain significance for Charcot-Marie-Tooth disease type 2. Last evaluated: 2025-08-04. Review status: criteria provided, single submitter. Criteria: Invitae Variant Classification Sherloc (09022015). Collection method: clinical testing. Allele origin: germline.
Comment: This sequence change replaces threonine, which is neutral and polar, with asparagine, which is neutral and polar, at codon 550 of the MFN2 protein (p.Thr550Asn). This variant is not present in population databases (gnomAD no frequency). This variant has not been reported in the literature in individuals affected with MFN2-related conditions. ClinVar contains an entry for this variant (Variation ID: 1379664). Invitae Evidence Modeling of protein sequence and biophysical properties (such as structural, functional, and spatial information, amino acid conservation, physicochemical variation, residue mobility, and thermodynamic stability) has been performed for this missense variant. However, the output from this modeling did not meet the statistical confidence thresholds required to predict the impact of this variant on MFN2 protein function. In summary, the available evidence is currently insufficient to determine the role of this variant in disease. Therefore, it has been classified as a Variant of Uncertain Significance.

NM_014874.4(MFN2):c.1649C>A (p.Thr550Asn)

Genes: MFN2 (mitofusin 2; plus strand), LOC129929426 (ATAC-STARR-seq lymphoblastoid active region 185; plus strand). Cytogenetic location: 1p36.22.
Variant type: single nucleotide variant.
Coding change: c.1649C>A on transcript NM_014874.4 (MANE Select); coding-DNA position 1649, C replaced by A.
Protein change: p.Thr550Asn; replaces threonine 550 with asparagine.
Molecular consequence: missense variant.
Genome position (GRCh38, 1-based): chr1:12,005,864, C>A. VCF-style: chr1-12005864-C-A. GRCh37 (hg19) VCF-style: chr1-12065921-C-A.
Other names: c.1649C>A, p.Thr550Asn (NM_001127660.2); short protein forms T550N.
Identifiers: ClinVar variation 1379664 (VCV001379664.8), dbSNP rs2100853288, ClinGen allele CA338448154.